The following is an entry in ClinVar:

NM_000557.5(GDF5):c.784del (p.Gln262fs)

Genes: GDF5 (growth differentiation factor 5; minus strand), GDF5-AS1 (GDF5 antisense RNA 1; plus strand). Cytogenetic location: 20q11.22.
Variant type: Deletion.
Coding change: c.784del on transcript NM_000557.5 (MANE Select); coding-DNA position 784, one base deleted (C; older notation c.784delC).
Protein change: p.Gln262fs; shifts the reading frame from glutamine 262.
Molecular consequence: frameshift variant. On other transcripts: non-coding transcript variant (1).
Genome position (GRCh38, 1-based): chr20:35,434,631, G deleted on the plus strand (C on the coding strand, the reverse complement: GDF5 is on the minus strand); the first of 3 consecutive G bases (chr20:35,434,631-35,434,633); deleting any one gives the same sequence. VCF-style (leftmost placement, unchanged base first): chr20-35434630-TG-T. GRCh37 (hg19) VCF-style: chr20-34022428-TG-T.
Other names: c.784del, p.Gln262fs (NM_001319138.2); short protein forms Q262fs.
Identifiers: ClinVar variation 3764682 (VCV003764682.2).
Genomic context (GRCh38, chr20:35,434,630, plus strand): 5'-GAGCGCACATCCAGCAAGGCGGCCGGCTGCCGGCCGCTGGGGCAGCTGGACAGCTTCAGC[TG>T]GGCAGCCCGCCCGCCTCCGGGGGCCGCTGGCTTGGCCGTGTCCGAGGGCTTCTTCCGCAA-3'

ClinVar aggregate classification (germline): Likely pathogenic (1 of 4 stars; one submission).

Conditions:
Acromesomelic dysplasia 2C, Hunter-Thompson type. Also called: Acromesomelic dysplasia, Hunter-Thompson type. Identifiers: Orphanet 968, MedGen C2930970, MONDO:0008717, OMIM 201250.
Grebe syndrome. Also called: ACROMESOMELIC DYSPLASIA, GREBE TYPE; GREBE DYSPLASIA; ACROMESOMELIC DYSPLASIA 2A. Identifiers: Orphanet 2098, MedGen C0265260, MONDO:0008703, OMIM 200700.
Multiple synostoses syndrome 2 (SYNS2). Identifiers: Orphanet 3237, MedGen C1832708, MONDO:0012394, OMIM 610017.
Brachydactyly type A1C. Also called: Brachydactyly, type a1, c. Identifiers: Orphanet 93388, MedGen C3554446, MONDO:0014032, OMIM 615072.
Symphalangism, proximal, 1B (SYM1B). Identifiers: Orphanet 3250, MedGen C3809104, MONDO:0014125, OMIM 615298.
Osteoarthritis susceptibility 5 (OS5). Identifiers: MedGen C4759728, MONDO:0012893, OMIM 612400.
Type A2 brachydactyly (BDA2). Also called: BRACHYMESOPHALANGY II; Brachymesophalangy type 2; MOHR-WRIEDT TYPE BRACHYDACTYLY. Identifiers: Orphanet 93396, MedGen C1832702, MONDO:0007216, OMIM 112600, HP:0009372.
Brachydactyly type C (BDC). Identifiers: Orphanet 93384, MedGen C1862103, MONDO:0007221, OMIM 113100, HP:0009373.
Acromesomelic dysplasia 2B. Also called: DU PAN SYNDROME. Identifiers: Orphanet 2639, MedGen C1856738, MONDO:0009231, OMIM 228900.

Submission:

Juno Genomics, Hangzhou Juno Genomics, Inc
Classification: Likely pathogenic for Acromesomelic dysplasia 2C, Hunter-Thompson type; Osteoarthritis susceptibility 5; Grebe syndrome; Acromesomelic dysplasia 2B; Brachydactyly type A1C; Type A2 brachydactyly; Brachydactyly type C; Multiple synostoses syndrome 2; Symphalangism, proximal, 1B. Review status: criteria provided, single submitter. Criteria: ACMG Guidelines, 2015. Collection method: clinical testing. Allele origin: germline. Affected: yes.
Comment: Absent from controls (or at extremely low frequency if recessive) in Genome Aggregation Database, Exome Sequencing Project, 1000 Genomes Project, or Exome Aggregation Consortium.;Null variant in a gene where loss of function (LOF) is a known mechanism of disease.;Patient's phenotype or family history is highly specific for a disease with a single genetic etiology.